The following is an entry in ClinVar:

ClinVar aggregate classification (germline): Uncertain significance (1 of 4 stars; one submission).

Conditions:
Partial hypoxanthine-guanine phosphoribosyltransferase deficiency. Also called: Kelley-Seegmiller Syndrome; HPRT1 DEFICIENCY, PARTIAL; GOUT, HPRT-RELATED; HPRT DEFICIENCY, PARTIAL; HYPOXANTHINE GUANINE PHOSPHORIBOSYLTRANSFERASE 1 DEFICIENCY, PARTIAL. Identifiers: Orphanet 79233, MedGen C0268117, MONDO:0010299, OMIM 300323.
Lesch-Nyhan syndrome (LNS). Also called: Lesch-Nyhan Disease (LND); HPRT DEFICIENCY, COMPLETE. Identifiers: Orphanet 510, MedGen C0023374, MONDO:0010298, OMIM 300322.

Submission:

Labcorp Genetics (formerly Invitae), Labcorp
Classification: Uncertain significance for Lesch-Nyhan syndrome; Partial hypoxanthine-guanine phosphoribosyltransferase deficiency. Last evaluated: 2021-05-26. Review status: criteria provided, single submitter. Criteria: Invitae Variant Classification Sherloc (09022015). Collection method: clinical testing. Allele origin: germline.
Comment: In summary, the available evidence is currently insufficient to determine the role of this variant in disease. Therefore, it has been classified as a Variant of Uncertain Significance. Algorithms developed to predict the effect of missense changes on protein structure and function (SIFT, PolyPhen-2, Align-GVGD) all suggest that this variant is likely to be tolerated, but these predictions have not been confirmed by published functional studies and their clinical significance is uncertain. This variant has not been reported in the literature in individuals with HPRT1-related conditions. This variant is not present in population databases (ExAC no frequency). This sequence change replaces aspartic acid with glycine at codon 18 of the HPRT1 protein (p.Asp18Gly). The aspartic acid residue is highly conserved and there is a moderate physicochemical difference between aspartic acid and glycine.

NM_000194.3(HPRT1):c.53A>G (p.Asp18Gly)

Gene: HPRT1 (hypoxanthine phosphoribosyltransferase 1; plus strand). Cytogenetic location: Xq26.2.
Variant type: single nucleotide variant.
Coding change: c.53A>G on transcript NM_000194.3 (MANE Select); coding-DNA position 53, A replaced by G.
Protein change: p.Asp18Gly; replaces aspartic acid 18 with glycine.
Molecular consequence: missense variant.
Genome position (GRCh38, 1-based): chrX:134,473,384, A>G. VCF-style: chrX-134473384-A-G. GRCh37 (hg19) VCF-style: chrX-133607414-A-G.
Other names: short protein forms D18G.
Identifiers: ClinVar variation 1461235 (VCV001461235.8), dbSNP rs2124290320, ClinGen allele CA414711287.